The following is an entry in ClinVar:

ClinVar aggregate classification (germline): Uncertain significance (1 of 4 stars; one submission).

Allele frequency attached by ClinVar (database versions not stated): gnomAD exomes below 0.00001; ExAC 0.00001; gnomAD 0.00001; 1000 Genomes Project 0.00020; 1000 Genomes Project 30x 0.00031.
gnomAD v4.1: 6 of 1,614,152 alleles (0.00037%); highest among the groups gnomAD compares: South Asian, 0.0044%; no homozygotes.

Submission:

Laboratory for Molecular Medicine, Mass General Brigham Personalized Medicine
Classification: Uncertain significance. Last evaluated: 2021-01-26. Review status: criteria provided, single submitter. Criteria: ACMG Guidelines, 2015. Collection method: clinical testing. Allele origin: germline.
Comment: The p.Tyr350Cys variant in TTN has not been previously reported in individuals with cardiomyopathy but has been identified in 0.003% (1/30616) of South Asian chromosomes by gnomAD. Computational prediction tools and conservation analyses do not provide strong support for or against an impact to the protein. In summary, the clinical significance of this variant is uncertain. ACMG/AMP Criteria applied: PM2_Supporting.

NM_001267550.2(TTN):c.1049A>G (p.Tyr350Cys)

Gene: TTN (titin; minus strand). Cytogenetic location: 2q31.2.
Variant type: single nucleotide variant.
Coding change: c.1049A>G on transcript NM_001267550.2 (MANE Select); coding-DNA position 1049, A replaced by G.
Protein change: p.Tyr350Cys; replaces tyrosine 350 with cysteine.
Molecular consequence: missense variant.
Genome position (GRCh38, 1-based): chr2:178,795,118, T>C on the plus strand (A>G on the coding strand, the complement: TTN is on the minus strand). VCF-style: chr2-178795118-T-C. GRCh37 (hg19) VCF-style: chr2-179659845-T-C.
Other names: c.1049A>G, p.Tyr350Cys (NM_133378.4, NM_001256850.1, NM_003319.4 and 3 more transcripts); short protein forms Y350C.
Identifiers: ClinVar variation 229384 (VCV000229384.6), dbSNP rs563369722, ClinGen allele CA2006152.